The following is an entry in ClinVar:

NM_000551.4(VHL):c.430G>T (p.Gly144Ter)

Genes: VHL (von Hippel-Lindau tumor suppressor; plus strand), LOC107303340 (3p25 von Hippel-Lindau tumor suppressor, E3 ubiquitin protein ligase Alu-mediated recombination region; plus strand). Cytogenetic location: 3p25.3.
Variant type: single nucleotide variant.
Coding change: c.430G>T on transcript NM_000551.4 (MANE Select); coding-DNA position 430, G replaced by T.
Protein change: p.Gly144Ter; replaces glycine 144 with a stop codon.
Molecular consequence: nonsense. On other transcripts: intron variant (2).
Genome position (GRCh38, 1-based): chr3:10,146,603, G>T. VCF-style: chr3-10146603-G-T. GRCh37 (hg19) VCF-style: chr3-10188287-G-T.
Other names: c.*18-3184G>T (NM_001354723.2); c.341-3184G>T (NM_198156.3); short protein forms G144*.
Identifiers: ClinVar variation 223208 (VCV000223208.10), dbSNP rs869025650, ClinGen allele CA357109.
Genomic context (GRCh38, chr3:10,146,603, plus strand): 5'-ACACACGATGGGCTTCTGGTTAACCAAACTGAATTATTTGTGCCATCTCTCAATGTTGAC[G>T]GACAGCCTATTTTTGCCAATATCACACTGCCAGGTACTGACGTTTTACTTTTTAAAAAGA-3'

ClinVar aggregate classification (germline): Pathogenic. Review status: criteria provided, multiple submitters, no conflicts (2 of 4 stars). 3 submissions from 3 submitters: Pathogenic (2). 1 of the submissions does not count toward it. Last evaluated 2024-07-11.

Conditions:
Von Hippel-Lindau syndrome (VHLS). Also called: Von Hippel-Lindau; von Hippel–Lindau syndrome; VHL syndrome. Identifiers: Orphanet 892, MedGen C0019562, MONDO:0008667, OMIM 193300. Disease mechanism: loss of function.
Chuvash polycythemia. Also called: POLYCYTHEMIA, VHL-DEPENDENT. Identifiers: Orphanet 238557, MedGen C1837915, MONDO:0009892, OMIM 263400.
Hereditary cancer-predisposing syndrome. Also called: Tumor predisposition; Hereditary neoplastic syndrome; Neoplastic Syndromes, Hereditary; Hereditary Cancer Syndrome. Identifiers: Orphanet 140162, MedGen C0027672, MeSH D009386, MONDO:0015356.

Submissions (3):

Ambry Genetics
Classification: Pathogenic for Hereditary cancer-predisposing syndrome. Last evaluated: 2024-07-11. Review status: criteria provided, single submitter. Criteria: Ambry Variant Classification Scheme 2023. Collection method: clinical testing. Allele origin: germline.
Comment: The p.G144* pathogenic mutation (also known as c.430G>T), located in coding exon 2 of the VHL gene, results from a G to T substitution at nucleotide position 430. This changes the amino acid from a glycine to a stop codon within coding exon 2. This alteration occurs at the 3' terminus of the VHL gene, is not expected to trigger nonsense-mediated mRNA decay, and impacts the last 33% of the protein. However, premature stop codons are typically deleterious in nature and the impacted region is critical for protein function (Ambry internal data). This variant was reported in multiple individuals who met clinical criteria or have features consistent with von Hippel-Lindau syndrome (Stolle C et al. Hum Mutat, 1998;12:417-23; Hes FJ et al. Clin Genet, 2007 Aug;72:122-9; Math&oacute; C et al. Genet Test Mol Biomarkers, 2016 Dec;20:771-776; Ambry internal data). This variant has also been reported in a de novo mutation in one individual who met clinical criteria of von Hippel-Lindau syndrome (Nordstrom-O'Brien M et al. Hum Mutat, 2010 May;31:521-37). This variant is considered to be rare based on population cohorts in the Genome Aggregation Database (gnomAD). Based on the supporting evidence, this variant is interpreted as a disease-causing mutation.

Labcorp Genetics (formerly Invitae), Labcorp
Classification: Pathogenic for Von Hippel-Lindau syndrome; Chuvash polycythemia. Last evaluated: 2024-04-20. Review status: criteria provided, single submitter. Criteria: Invitae Variant Classification Sherloc (09022015). Collection method: clinical testing. Allele origin: germline.
Comment: This sequence change creates a premature translational stop signal (p.Gly144*) in the VHL gene. While this is not anticipated to result in nonsense mediated decay, it is expected to disrupt the last 70 amino acid(s) of the VHL protein. This variant is not present in population databases (gnomAD no frequency). This premature translational stop signal has been observed in individual(s) with pheochromocytoma (PMID: 9829911). This variant is also known as 643G>T. ClinVar contains an entry for this variant (Variation ID: 223208). Algorithms developed to predict the effect of sequence changes on RNA splicing suggest that this variant may disrupt the consensus splice site. This variant disrupts a region of the VHL protein in which other variant(s) (p.Arg161*) have been determined to be pathogenic (PMID: 14722919, 18446368, 19602254, 24206762, 24301059). This suggests that this is a clinically significant region of the protein, and that variants that disrupt it are likely to be disease-causing. For these reasons, this variant has been classified as Pathogenic.

Genomic Diagnostic Laboratory, Division of Genomic Diagnostics, Children's Hospital of Philadelphia
Classification: Likely pathogenic for Von Hippel-Lindau syndrome. Last evaluated: 2016-02-26. Review status: no assertion criteria provided. Collection method: clinical testing. Allele origin: germline. Affected: yes. Observed: 5 variant alleles. Not counted in ClinVar's aggregate classification.

Literature cited by the submitters: PubMed 17661816 (cited by Ambry Genetics); PubMed 20151405 (cited by Ambry Genetics); PubMed 27617348 (cited by Ambry Genetics); PubMed 9829911 (cited by Ambry Genetics and Labcorp Genetics (formerly Invitae), Labcorp); PubMed 14722919 (cited by Labcorp Genetics (formerly Invitae), Labcorp); PubMed 18446368 (cited by Labcorp Genetics (formerly Invitae), Labcorp); PubMed 19602254 (cited by Labcorp Genetics (formerly Invitae), Labcorp); PubMed 24206762 (cited by Labcorp Genetics (formerly Invitae), Labcorp); PubMed 24301059 (cited by Labcorp Genetics (formerly Invitae), Labcorp).